The following is an entry in ClinVar:

NM_001148.6(ANK2):c.4165T>G (p.Leu1389Val)

Gene: ANK2 (ankyrin 2; plus strand). Cytogenetic location: 4q26.
Variant type: single nucleotide variant.
Coding change: c.4165T>G on transcript NM_001148.6 (MANE Select); coding-DNA position 4165, T replaced by G.
Protein change: p.Leu1389Val; replaces leucine 1389 with valine.
Molecular consequence: missense variant.
Genome position (GRCh38, 1-based): chr4:113,343,059, T>G. VCF-style: chr4-113343059-T-G. GRCh37 (hg19) VCF-style: chr4-114264215-T-G.
Other names: c.4138T>G, p.Leu1380Val (NM_001127493.3); c.4177T>G, p.Leu1393Val (NM_001354225.2); c.4066T>G, p.Leu1356Val (NM_001354228.2, NM_001354258.2); c.4144T>G, p.Leu1382Val (NM_001354230.2); c.4207T>G, p.Leu1403Val (NM_001354231.2, NM_001354242.2); c.4201T>G, p.Leu1401Val (NM_001354232.2); c.4162T>G, p.Leu1388Val (NM_001354235.2, NM_001354246.2, NM_001354265.2); c.4063T>G, p.Leu1355Val (NM_001354236.2); and 31 more; short protein forms L1261V, L1355V, L1368V, L1382V, L1384V, L1401V, L1428V, L1228V.
Identifiers: ClinVar variation 4742193 (VCV004742193.1).

ClinVar aggregate classification (germline): Uncertain significance (1 of 4 stars; one submission).

Conditions:
Long QT syndrome (LQTS). Identifiers: MedGen C0023976, MeSH D008133, MONDO:0002442. Disease mechanism: loss of function. Inheritance: Various modes of inheritance.

Submission:

Labcorp Genetics (formerly Invitae), Labcorp
Classification: Uncertain significance for Long QT syndrome. Last evaluated: 2025-08-04. Review status: criteria provided, single submitter. Criteria: Invitae Variant Classification Sherloc (09022015). Collection method: clinical testing. Allele origin: germline.
Comment: This sequence change replaces leucine, which is neutral and non-polar, with valine, which is neutral and non-polar, at codon 1389 of the ANK2 protein (p.Leu1389Val). This variant is not present in population databases (gnomAD no frequency). This variant has not been reported in the literature in individuals affected with ANK2-related conditions. Invitae Evidence Modeling of protein sequence and biophysical properties (such as structural, functional, and spatial information, amino acid conservation, physicochemical variation, residue mobility, and thermodynamic stability) indicates that this missense variant is not expected to disrupt ANK2 protein function with a negative predictive value of 80%. In summary, the available evidence is currently insufficient to determine the role of this variant in disease. Therefore, it has been classified as a Variant of Uncertain Significance.